The following is an entry in ClinVar:

ClinVar aggregate classification (germline): Conflicting classifications of pathogenicity. Review status: criteria provided, conflicting classifications (1 of 4 stars). 5 submissions from 5 submitters: Uncertain significance (1); Likely benign (4). Last evaluated 2026-07-04.

Conditions:
Inborn genetic diseases. Identifiers: MedGen C0950123, MeSH D030342.
Agenesis of the corpus callosum with peripheral neuropathy (ACCPN). Also called: CHARLEVOIX DISEASE; Hereditary Motor and Sensory Neuropathy with Agenesis of the Corpus Callosum; HMSN/ACC; POLYNEUROPATHY, SENSORIMOTOR, WITH OR WITHOUT AGENESIS OF THE CORPUS CALLOSUM. Identifiers: Orphanet 1496, MedGen C0795950, MONDO:0000902, OMIM 218000. Disease mechanism: loss of function.

Allele frequency attached by ClinVar (database versions not stated): ESP Exome Variant Server 0.00062; 1000 Genomes Project 0.00040; TOPMed 0.00057; gnomAD 0.00061 and 0.00056; gnomAD exomes 0.00004 and 0.00014; ExAC 0.00014; 1000 Genomes Project 30x 0.00062.
gnomAD v4.1: 140 of 1,613,272 alleles (0.0087%); highest among the groups gnomAD compares: African/African-American, 0.18%; no homozygotes.

Submissions (5):

Ambry Genetics
Classification: Likely benign for Inborn genetic diseases. Last evaluated: 2026-07-04. Review status: criteria provided, single submitter. Criteria: Ambry Variant Classification Scheme 2023. Collection method: clinical testing. Allele origin: germline.

Labcorp Genetics (formerly Invitae), Labcorp
Classification: Likely benign. Last evaluated: 2025-12-23. Review status: criteria provided, single submitter. Criteria: Invitae Variant Classification Sherloc (09022015). Collection method: clinical testing. Allele origin: germline.

Mayo Clinic Laboratories, Mayo Clinic
Classification: Likely benign. Last evaluated: 2024-12-20. Review status: criteria provided, single submitter. Criteria: ACMG Guidelines, 2015. Collection method: clinical testing. Allele origin: germline. Observed: 1 variant allele.
Comment: BS1, BP4, BP7

Genome-Nilou Lab
Classification: Likely benign for Agenesis of the corpus callosum with peripheral neuropathy. Last evaluated: 2021-07-15. Review status: criteria provided, single submitter. Criteria: ACMG Guidelines, 2015. Collection method: clinical testing. Allele origin: germline. Affected: no.

Eurofins Ntd Llc (ga)
Classification: Uncertain significance. Last evaluated: 2016-08-26. Review status: criteria provided, single submitter. Criteria: EGL Classification Definitions 2015. Collection method: clinical testing. Allele origin: germline. Observed: 1 variant allele, 1 heterozygote.

NM_001365088.1(SLC12A6):c.3249G>A (p.Arg1083=)

Gene: SLC12A6 (solute carrier family 12 member 6; minus strand). Cytogenetic location: 15q14.
Variant type: single nucleotide variant.
Coding change: c.3249G>A on transcript NM_001365088.1 (MANE Select); coding-DNA position 3249, G replaced by A.
Protein change: p.Arg1083=; no amino-acid change (arginine 1083 retained).
Molecular consequence: synonymous variant.
Genome position (GRCh38, 1-based): chr15:34,235,293, C>T on the plus strand (G>A on the coding strand, the complement: SLC12A6 is on the minus strand). VCF-style: chr15-34235293-C-T. GRCh37 (hg19) VCF-style: chr15-34527494-C-T.
Other names: p.Arg1083=; c.3072G>A, p.Arg1024= (NM_001042494.2, NM_001042495.2); c.3222G>A, p.Arg1074= (NM_001042496.2); c.3204G>A, p.Arg1068= (NM_001042497.2); c.3096G>A, p.Arg1032= (NM_005135.2); c.3249G>A, p.Arg1083= (NM_133647.2).
Identifiers: ClinVar variation 289459 (VCV000289459.22), dbSNP rs149640638, ClinGen allele CA7463879.